The following is an entry in ClinVar:

NM_001367943.1(TCF7L2):c.1161+1G>A

Gene: TCF7L2 (transcription factor 7 like 2; plus strand). Cytogenetic location: 10q25.3.
Variant type: single nucleotide variant.
Coding change: c.1161+1G>A on transcript NM_001367943.1 (MANE Select); the canonical splice donor site of the intron after coding-DNA position 1161, G replaced by A.
Molecular consequence: splice donor variant.
Genome position (GRCh38, 1-based): chr10:113,151,885, G>A. VCF-style: chr10-113151885-G-A. GRCh37 (hg19) VCF-style: chr10-114911644-G-A.
Other names: c.1161+1G>A (NM_001363501.2, NM_001146274.2, NM_001198531.2); c.1233+1G>A (NM_001146283.2); c.1107+1G>A (NM_001198525.2); c.1092+1G>A (NM_001198528.2, NM_030756.5, NM_001198529.2 and 3 more transcripts); c.1080+1G>A (NM_001198527.2, NM_001146284.2); c.990+1G>A (NM_001198530.2); c.612+1G>A (NM_001349871.1); c.732+1G>A (NM_001349870.2).
Identifiers: ClinVar variation 3454169 (VCV003454169.1).

ClinVar aggregate classification (germline): Likely pathogenic (1 of 4 stars; one submission).

Conditions:
Inborn genetic diseases. Identifiers: MedGen C0950123, MeSH D030342.

Submission:

Ambry Genetics
Classification: Likely pathogenic for Inborn genetic diseases. Last evaluated: 2024-09-13. Review status: criteria provided, single submitter. Criteria: Ambry Variant Classification Scheme 2023. Collection method: clinical testing. Allele origin: germline.
Comment: The c.1161+1G>A intronic variant results from a G to A substitution one nucleotide after coding exon 10 of the TCF7L2 gene. Alterations that disrupt the canonical splice site are expected to cause aberrant splicing, resulting in an abnormal protein or a transcript that is subject to nonsense-mediated mRNA decay. This variant was not reported in population-based cohorts in the Genome Aggregation Database (gnomAD). This nucleotide position is highly conserved in available vertebrate species. In silico splice site analysis predicts that this alteration will weaken the native splice donor site and will result in the creation or strengthening of a novel splice donor site. Based on the available evidence, this alteration is classified as likely pathogenic.